The following is an entry in ClinVar:

NM_000204.5(CFI):c.1552A>T (p.Ile518Phe)

Gene: CFI (complement factor I; minus strand). Cytogenetic location: 4q25.
Variant type: single nucleotide variant.
Coding change: c.1552A>T on transcript NM_000204.5 (MANE Select); coding-DNA position 1552, A replaced by T.
Protein change: p.Ile518Phe; replaces isoleucine 518 with phenylalanine.
Molecular consequence: missense variant. On other transcripts: 3 prime UTR variant (2), non-coding transcript variant (3), intron variant (7).
Genome position (GRCh38, 1-based): chr4:109,741,093, T>A on the plus strand (A>T on the coding strand, the complement: CFI is on the minus strand). VCF-style: chr4-109741093-T-A. GRCh37 (hg19) VCF-style: chr4-110662249-T-A.
Other names: c.1576A>T, p.Ile526Phe (NM_001318057.2); c.1531A>T, p.Ile511Phe (NM_001331035.2); c.1495A>T, p.Ile499Phe (NM_001375283.1); c.943A>T, p.Ile315Phe (NM_001375284.1); c.1573A>T, p.Ile525Phe (NM_001440986.1); c.*252A>T (NM_001440989.1, NM_001440991.1); c.1513+1398A>T (NM_001375282.1, NM_001375280.1); c.1534+1398A>T (NM_001375281.1, NM_001375279.1); and 2 more; short protein forms I526F, I315F, I511F, I518F, I499F, I525F.
Identifiers: ClinVar variation 4703008 (VCV004703008.1).

ClinVar aggregate classification (germline): Uncertain significance (1 of 4 stars; one submission).

Submission:

Labcorp Genetics (formerly Invitae), Labcorp
Classification: Uncertain significance. Last evaluated: 2025-12-09. Review status: criteria provided, single submitter. Criteria: Invitae Variant Classification Sherloc (09022015). Collection method: clinical testing. Allele origin: germline.
Comment: This sequence change replaces isoleucine, which is neutral and non-polar, with phenylalanine, which is neutral and non-polar, at codon 518 of the CFI protein (p.Ile518Phe). This variant is not present in population databases (gnomAD no frequency). This variant has not been reported in the literature in individuals affected with CFI-related conditions. Invitae Evidence Modeling of protein sequence and biophysical properties (such as structural, functional, and spatial information, amino acid conservation, physicochemical variation, residue mobility, and thermodynamic stability) indicates that this missense variant is expected to disrupt CFI protein function with a positive predictive value of 80%. In summary, the available evidence is currently insufficient to determine the role of this variant in disease. Therefore, it has been classified as a Variant of Uncertain Significance.